The following is an entry in ClinVar:

NM_080680.3(COL11A2):c.581G>A (p.Arg194His)

Gene: COL11A2 (collagen type XI alpha 2 chain; minus strand). Cytogenetic location: 6p21.32.
Variant type: single nucleotide variant.
Coding change: c.581G>A on transcript NM_080680.3 (MANE Select); coding-DNA position 581, G replaced by A.
Protein change: p.Arg194His; replaces arginine 194 with histidine.
Molecular consequence: missense variant. On other transcripts: 5 prime UTR variant (3), non-coding transcript variant (1).
Genome position (GRCh38, 1-based): chr6:33,188,387, C>T on the plus strand (G>A on the coding strand, the complement: COL11A2 is on the minus strand). VCF-style: chr6-33188387-C-T. GRCh37 (hg19) VCF-style: chr6-33156164-C-T.
Other names: c.581G>A, p.Arg194His (NM_001163771.2, NM_001424108.1, NM_080679.3 and 1 more transcripts); c.-266G>A (NM_001424109.1, NM_001424110.1, NM_001424111.1); short protein forms R194H.
Identifiers: ClinVar variation 2722539 (VCV002722539.3), dbSNP rs768629458, ClinGen allele CA3751634.

ClinVar aggregate classification (germline): Uncertain significance (1 of 4 stars; one submission).

Allele frequency attached by ClinVar (database versions not stated): gnomAD exomes 0.00001; TOPMed 0.00001; ExAC 0.00002.
gnomAD v4.1: 18 of 1,612,924 alleles (0.0011%); highest among the groups gnomAD compares: Middle Eastern, 0.016%; no homozygotes.

Submission:

Labcorp Genetics (formerly Invitae), Labcorp
Classification: Uncertain significance. Last evaluated: 2023-11-03. Review status: criteria provided, single submitter. Criteria: Invitae Variant Classification Sherloc (09022015). Collection method: clinical testing. Allele origin: germline.
Comment: This sequence change replaces arginine, which is basic and polar, with histidine, which is basic and polar, at codon 194 of the COL11A2 protein (p.Arg194His). This variant is present in population databases (rs768629458, gnomAD 0.006%). This variant has not been reported in the literature in individuals affected with COL11A2-related conditions. Advanced modeling of protein sequence and biophysical properties (such as structural, functional, and spatial information, amino acid conservation, physicochemical variation, residue mobility, and thermodynamic stability) performed at Invitae indicates that this missense variant is not expected to disrupt COL11A2 protein function with a negative predictive value of 95%. In summary, the available evidence is currently insufficient to determine the role of this variant in disease. Therefore, it has been classified as a Variant of Uncertain Significance.